The following is an entry in ClinVar:

ClinVar aggregate classification (germline): Uncertain significance. Review status: criteria provided, multiple submitters, no conflicts (2 of 4 stars). 2 submissions from 2 submitters: Uncertain significance (2). Last evaluated 2026-01-12.

Conditions:
Inborn genetic diseases. Identifiers: MedGen C0950123, MeSH D030342.

gnomAD v4.1: 12 of 1,612,416 alleles (0.00074%); highest among the groups gnomAD compares: Admixed American, 0.0083%; no homozygotes.

Submissions (2):

Labcorp Genetics (formerly Invitae), Labcorp
Classification: Uncertain significance. Last evaluated: 2026-01-12. Review status: criteria provided, single submitter. Criteria: Invitae Variant Classification Sherloc (09022015). Collection method: clinical testing. Allele origin: germline.
Comment: This sequence change replaces aspartic acid, which is acidic and polar, with asparagine, which is neutral and polar, at codon 363 of the CLCNKB protein (p.Asp363Asn). This variant is present in population databases (rs779798035, gnomAD 0.009%). This variant has not been reported in the literature in individuals affected with CLCNKB-related conditions. ClinVar contains an entry for this variant (Variation ID: 3705615). Invitae Evidence Modeling of protein sequence and biophysical properties (such as structural, functional, and spatial information, amino acid conservation, physicochemical variation, residue mobility, and thermodynamic stability) indicates that this missense variant is not expected to disrupt CLCNKB protein function with a negative predictive value of 80%. In summary, the available evidence is currently insufficient to determine the role of this variant in disease. Therefore, it has been classified as a Variant of Uncertain Significance.

Ambry Genetics
Classification: Uncertain significance for Inborn genetic diseases. Last evaluated: 2025-06-09. Review status: criteria provided, single submitter. Criteria: Ambry Variant Classification Scheme 2023. Collection method: clinical testing. Allele origin: germline.

NM_000085.5(CLCNKB):c.1087G>A (p.Asp363Asn)

Genes: CLCNKB (chloride voltage-gated channel Kb; plus strand), LOC106501713 (CLCNKB recombination region; plus strand). Cytogenetic location: 1p36.13.
Variant type: single nucleotide variant.
Coding change: c.1087G>A on transcript NM_000085.5 (MANE Select); coding-DNA position 1087, G replaced by A.
Protein change: p.Asp363Asn; replaces aspartic acid 363 with asparagine.
Molecular consequence: missense variant.
Genome position (GRCh38, 1-based): chr1:16,050,908, G>A. VCF-style: chr1-16050908-G-A. GRCh37 (hg19) VCF-style: chr1-16377403-G-A.
Other names: c.1087G>A (NM_000085.3); c.580G>A, p.Asp194Asn (NM_001165945.2); short protein forms D194N, D363N.
Identifiers: ClinVar variation 3705615 (VCV003705615.3).
Genomic context (GRCh38, chr1:16,050,908, plus strand): 5'-GTCCAGTTCCCACCTGCCCCGCCACAGCTGTCCATGAAGCAGCATCTGGACTCGCTGTTC[G>A]ACAACCACTCCTGGGCGCTGATGACCCAGAACTCCAGCCCACCCTGGCCCGAGGAGCTCG-3'
Protein context (NP_000076.2, residues 353-373): SMKQHLDSLF[Asp363Asn]NHSWALMTQN